The following is an entry in ClinVar:

ClinVar aggregate classification (germline): Likely benign. Review status: criteria provided, multiple submitters, no conflicts (2 of 4 stars). 2 submissions from 2 submitters: Likely benign (2). Last evaluated 2025-10-01.

Allele frequency attached by ClinVar (database versions not stated): gnomAD 0.00004; gnomAD exomes 0.00005; TOPMed 0.00005; ExAC 0.00006.
gnomAD v4.1: 78 of 1,580,370 alleles (0.0049%); highest among the groups gnomAD compares: Admixed American, 0.012%; no homozygotes.

Submissions (2):

Labcorp Genetics (formerly Invitae), Labcorp
Classification: Likely benign. Last evaluated: 2025-10-01. Review status: criteria provided, single submitter. Criteria: Invitae Variant Classification Sherloc (09022015). Collection method: clinical testing. Allele origin: germline.

Mayo Clinic Laboratories, Mayo Clinic
Classification: Likely benign. Last evaluated: 2025-05-16. Review status: criteria provided, single submitter. Criteria: ACMG Guidelines, 2015. Collection method: clinical testing. Allele origin: germline. Observed: 2 variant alleles.
Comment: BP4, BP7

NM_000285.4(PEPD):c.624+14C>T

Gene: PEPD (peptidase D; minus strand). Cytogenetic location: 19q13.11.
Variant type: single nucleotide variant.
Coding change: c.624+14C>T on transcript NM_000285.4 (MANE Select); 14 bases into the intron after coding-DNA position 624, C replaced by T.
Molecular consequence: intron variant.
Genome position (GRCh38, 1-based): chr19:33,463,973, G>A on the plus strand (C>T on the coding strand, the complement: PEPD is on the minus strand). VCF-style: chr19-33463973-G-A. GRCh37 (hg19) VCF-style: chr19-33954879-G-A.
Other names: p.?; c.432+14C>T (NM_001166057.2); c.548+14073C>T (NM_001166056.2).
Identifiers: ClinVar variation 1636179 (VCV001636179.9), dbSNP rs762712383, ClinGen allele CA9364221.
Genomic context (GRCh38, chr19:33,463,973, plus strand): 5'-TCATCCTCACGCAGTTCTCTCGCCACACAGCAACACTGCTTTCCCCACTCAACCAGAGCC[G>A]GTGCCTGACTTACCTCACGGTGGGCCTCGCTGGAGATTTTATTGGTATAGCGCAGAACCT-3'